The following is an entry in ClinVar:

ClinVar aggregate classification (germline): Uncertain significance. Review status: criteria provided, multiple submitters, no conflicts (2 of 4 stars). 2 submissions from 2 submitters: Uncertain significance (2). Last evaluated 2024-01-22.

Conditions:
Very long chain acyl-CoA dehydrogenase deficiency (ACADVLD). Also called: Very Long-Chain Acyl-Coenzyme A Dehydrogenase Deficiency; VLCAD Deficiency. Identifiers: Orphanet 26793, MedGen C3887523, MONDO:0008723, OMIM 201475.

Submissions (2):

Labcorp Genetics (formerly Invitae), Labcorp
Classification: Uncertain significance for Very long chain acyl-CoA dehydrogenase deficiency. Last evaluated: 2024-01-22. Review status: criteria provided, single submitter. Criteria: Invitae Variant Classification Sherloc (09022015). Collection method: clinical testing. Allele origin: germline.
Comment: This sequence change replaces glycine, which is neutral and non-polar, with glutamic acid, which is acidic and polar, at codon 340 of the ACADVL protein (p.Gly340Glu). This variant is not present in population databases (gnomAD no frequency). This variant has not been reported in the literature in individuals affected with ACADVL-related conditions. ClinVar contains an entry for this variant (Variation ID: 932868). Advanced modeling of protein sequence and biophysical properties (such as structural, functional, and spatial information, amino acid conservation, physicochemical variation, residue mobility, and thermodynamic stability) performed at Invitae indicates that this missense variant is expected to disrupt ACADVL protein function with a positive predictive value of 95%. In summary, the available evidence is currently insufficient to determine the role of this variant in disease. Therefore, it has been classified as a Variant of Uncertain Significance.

Wong Mito Lab, Molecular and Human Genetics, Baylor College of Medicine
Classification: Uncertain significance for Very long chain acyl-CoA dehydrogenase deficiency. Last evaluated: 2019-11-01. Review status: criteria provided, single submitter. Criteria: ACMG Guidelines, 2015. Collection method: clinical testing. Allele origin: germline.
Comment: The NM_000018.3:c.1019G>A (NP_000009.1:p.Gly340Glu) [GRCH38: NC_000017.11:g.7222807G>A] variant in ACADVL gene is interpretated to be Uncertain Significance based on ACMG guidelines (PMID: 25741868). This variant has been reported. This variant meets the following evidence codes reported in the ACMG guidelines: PP3

NM_000018.4(ACADVL):c.1019G>A (p.Gly340Glu)

Gene: ACADVL (acyl-CoA dehydrogenase very long chain; plus strand). Cytogenetic location: 17p13.1.
Variant type: single nucleotide variant.
Coding change: c.1019G>A on transcript NM_000018.4 (MANE Select); coding-DNA position 1019, G replaced by A.
Protein change: p.Gly340Glu; replaces glycine 340 with glutamic acid.
Molecular consequence: missense variant.
Genome position (GRCh38, 1-based): chr17:7,222,807, G>A. VCF-style: chr17-7222807-G-A. GRCh37 (hg19) VCF-style: chr17-7126126-G-A.
Other names: c.953G>A, p.Gly318Glu (NM_001033859.3); c.1088G>A, p.Gly363Glu (NM_001270447.2); c.791G>A, p.Gly264Glu (NM_001270448.2); short protein forms G318E, G340E, G264E, G363E.
Identifiers: ClinVar variation 932868 (VCV000932868.3), dbSNP rs934797393, ClinGen allele CA397724177.
Genomic context (GRCh38, chr17:7,222,807, plus strand): 5'-AGAACGTGCTGGGTGAGGTTGGGAGTGGCTTCAAGGTTGCCATGCACATCCTCAACAATG[G>A]AAGGTTTGGCATGGCTGCGGCCCTGGCAGGTACCATGAGAGGCATCATTGCTAAGGCGGT-3'
Protein context (NP_000009.1, residues 330-350): FKVAMHILNN[Gly340Glu]RFGMAAALAG